The following is an entry in ClinVar:

ClinVar aggregate classification (germline): Benign/Likely benign. Review status: criteria provided, multiple submitters, no conflicts (2 of 4 stars). 3 submissions from 3 submitters: Benign (1); Likely benign (1). 1 of the submissions does not count toward it. Last evaluated 2023-12-18.

Conditions:
SCN8A-related disorder.
Early-infantile DEE. Also called: Ohtahara syndrome; Early infantile epileptic encephalopathy with suppression bursts; Early infantile epileptic encephalopathy. Identifiers: Orphanet 1934, MedGen C0393706, MONDO:0800491.

gnomAD v4.1: 365 of 1,591,278 alleles (0.023%); highest among the groups gnomAD compares: Non-Finnish European, 0.001%; 3 homozygotes.

Submissions (3):

Blueprint Genetics
Classification: Likely benign. Last evaluated: 2023-12-18. Review status: criteria provided, single submitter. Criteria: ACMG Guidelines, 2015. Collection method: clinical testing. Allele origin: germline.

Labcorp Genetics (formerly Invitae), Labcorp
Classification: Benign for Early-infantile DEE. Last evaluated: 2023-02-01. Review status: criteria provided, single submitter. Criteria: Invitae Variant Classification Sherloc (09022015). Collection method: clinical testing. Allele origin: germline.

PreventionGenetics, part of Exact Sciences
Classification: Benign for SCN8A-related condition. Last evaluated: 2019-07-16. Review status: no assertion criteria provided. Collection method: clinical testing. Allele origin: germline. Not counted in ClinVar's aggregate classification.
Comment: This variant is classified as benign based on ACMG/AMP sequence variant interpretation guidelines (Richards et al. 2015 PMID: 25741868, with internal and published modifications).

NM_001330260.2(SCN8A):c.2131+7G>T

Gene: SCN8A (sodium voltage-gated channel alpha subunit 8; plus strand). Cytogenetic location: 12q13.13.
Variant type: single nucleotide variant.
Coding change: c.2131+7G>T on transcript NM_001330260.2 (MANE Select); 7 bases into the intron after coding-DNA position 2131, G replaced by T.
Molecular consequence: intron variant.
Genome position (GRCh38, 1-based): chr12:51,746,042, G>T. VCF-style: chr12-51746042-G-T. GRCh37 (hg19) VCF-style: chr12-52139826-G-T.
Other names: c.2131+7G>T (NM_014191.4, NM_001177984.3, NM_001369788.1 and 1 more transcripts).
Identifiers: ClinVar variation 1566561 (VCV001566561.12), dbSNP rs756286753, ClinGen allele CA6571424.
Genomic context (GRCh38, chr12:51,746,042, plus strand): 5'-GGAAGGACAGAATCAACAGTATAATGAGTGTTGTTACAAATACACTAGTAGAAGGTATGT[G>T]CCCTATAATGTCAGTCCAACCGCTGAGATATAAATATGTAATGTGCATGGTAAATATAAT-3'